The following is an entry in ClinVar:

ClinVar aggregate classification (germline): Pathogenic (1 of 4 stars; one submission).

Submission:

Quest Diagnostics Nichols Institute San Juan Capistrano
Classification: Pathogenic. Last evaluated: 2021-11-25. Review status: criteria provided, single submitter. Criteria: ACMG/ClinGen CNV Guidelines, 2019. Collection method: clinical testing. Allele origin: unknown.
Comment: The microdeletion at Xp22.33 (Xp/Yp pseudoautosomal region 1; PAR1) involves the short stature homeobox gene (SHOX; OMIM 312865) and its downstream enhancer elements. The phenotypic spectrum of SHOX deficiency disorders, caused by haploinsufficiency of the SHOX gene, ranges from Leri-Weill dyschondrosteosis (LWD; OMIM 127300) at the severe end of the spectrum to idiopathic familial short stature (OMIM 300582) at the mild end of the spectrum. The phenotype of short stature caused by SHOX deficiency (in the absence of mesomelia and Madelung deformity) is highly variable, even within the same family (GeneReviews). The classic clinical triad in LWD is short stature, mesomelia, and Madelung deformity. The penetrance of SHOX deficiency is high, but its clinical expression is highly variable, becoming more pronounced with age and being more severe in females. Most cases with SHOX haploinsufficiency are familial. However, the family history of some individuals diagnosed with SHOX deficiency may appear to be negative because of failure to recognize the disorder in family members.

GRCh37/hg19 Xp22.33(chrX:168546-1234634)x1

Variant type: copy number loss.
Change: copy number 1 of chrX:168,546-1,234,634 (1.07 Mb, GRCh37 coordinates, 1-based), cytogenetic band Xp22.33.
Identifiers: ClinVar variation 816621 (VCV000816621.2).